The following is an entry in ClinVar:

NM_017780.4(CHD7):c.1138A>G (p.Thr380Ala)

Gene: CHD7 (chromodomain helicase DNA binding protein 7; plus strand). Cytogenetic location: 8q12.2.
Variant type: single nucleotide variant.
Coding change: c.1138A>G on transcript NM_017780.4 (MANE Select); coding-DNA position 1138, A replaced by G.
Protein change: p.Thr380Ala; replaces threonine 380 with alanine.
Molecular consequence: missense variant.
Genome position (GRCh38, 1-based): chr8:60,742,570, A>G. VCF-style: chr8-60742570-A-G. GRCh37 (hg19) VCF-style: chr8-61655129-A-G.
Other names: c.1138A>G, p.Thr380Ala (NM_001316690.1); short protein forms T380A.
Identifiers: ClinVar variation 4808318 (VCV004808318.1).
Genomic context (GRCh38, chr8:60,742,570, plus strand): 5'-GGACTAATGCACCAGCAGCCCATCCACCCCAGTGGCTCACTTAACCAAATGAACACACAA[A>G]CTATGCATCCTTCACAGCCTCAGGGAACTTATGCCTCTCCACCTCCCATGTCACCCATGA-3'
Protein context (NP_060250.2, residues 370-390): SGSLNQMNTQ[Thr380Ala]MHPSQPQGTY

ClinVar aggregate classification (germline): Uncertain significance (1 of 4 stars; one submission).

Conditions:
CHARGE syndrome (CHARGE). Also called: Hittner Hirsch Kreh syndrome; CHARGE ASSOCIATION--COLOBOMA, HEART ANOMALY, CHOANAL ATRESIA, RETARDATION, GENITAL AND EAR ANOMALIES; Coloboma, heart anomaly, choanal atresia, retardation, genital and ear anomalies; CHARGE association; Hall-Hittner syndrome. Identifiers: Orphanet 138, MedGen C0265354, MONDO:0008965.

Submission:

Labcorp Genetics (formerly Invitae), Labcorp
Classification: Uncertain significance for CHARGE syndrome. Last evaluated: 2025-12-23. Review status: criteria provided, single submitter. Criteria: Invitae Variant Classification Sherloc (09022015). Collection method: clinical testing. Allele origin: germline.
Comment: This sequence change replaces threonine, which is neutral and polar, with alanine, which is neutral and non-polar, at codon 380 of the CHD7 protein (p.Thr380Ala). This variant is not present in population databases (gnomAD no frequency). This variant has not been reported in the literature in individuals affected with CHD7-related conditions. Invitae Evidence Modeling of protein sequence and biophysical properties (such as structural, functional, and spatial information, amino acid conservation, physicochemical variation, residue mobility, and thermodynamic stability) indicates that this missense variant is not expected to disrupt CHD7 protein function with a negative predictive value of 95%. In summary, the available evidence is currently insufficient to determine the role of this variant in disease. Therefore, it has been classified as a Variant of Uncertain Significance.